The following is an entry in ClinVar:

NM_001261826.3(AP3D1):c.3125A>C (p.Gln1042Pro)

Gene: AP3D1 (adaptor related protein complex 3 subunit delta 1; minus strand). Cytogenetic location: 19p13.3.
Variant type: single nucleotide variant.
Coding change: c.3125A>C on transcript NM_001261826.3 (MANE Select); coding-DNA position 3125, A replaced by C.
Protein change: p.Gln1042Pro; replaces glutamine 1042 with proline.
Molecular consequence: missense variant.
Genome position (GRCh38, 1-based): chr19:2,110,757, T>G on the plus strand (A>C on the coding strand, the complement: AP3D1 is on the minus strand). VCF-style: chr19-2110757-T-G. GRCh37 (hg19) VCF-style: chr19-2110756-T-G.
Other names: c.3089A>C, p.Gln1030Pro (NM_001374799.1); c.2939A>C, p.Gln980Pro (NM_003938.8); short protein forms Q980P, Q1042P, Q1030P.
Identifiers: ClinVar variation 2756196 (VCV002756196.3), dbSNP rs2512131915, ClinGen allele CA403202289.
Genomic context (GRCh38, chr19:2,110,757, plus strand): 5'-CAGGGCTCACCTGGGGGCAGCTGGAAAGGCACGGGGACGCCATCGTGGACGGAGGAGCCC[T>G]GCGGCCGGGCCATCCTGGCATTGAGTGAGTCCAGCACGCTGAGCTCCATGCCCTTGAGGA-3'
Protein context (NP_001248755.1, residues 1032-1052): DSLNARMARP[Gln1042Pro]GSSVHDGVPV

ClinVar aggregate classification (germline): Uncertain significance (1 of 4 stars; one submission).

Submission:

Labcorp Genetics (formerly Invitae), Labcorp
Classification: Uncertain significance. Last evaluated: 2023-08-28. Review status: criteria provided, single submitter. Criteria: Invitae Variant Classification Sherloc (09022015). Collection method: clinical testing. Allele origin: germline.
Comment: This sequence change replaces glutamine, which is neutral and polar, with proline, which is neutral and non-polar, at codon 1042 of the AP3D1 protein (p.Gln1042Pro). This variant is not present in population databases (gnomAD no frequency). This variant has not been reported in the literature in individuals affected with AP3D1-related conditions. An algorithm developed to predict the effect of missense changes on protein structure and function (PolyPhen-2) suggests that this variant is likely to be tolerated. In summary, the available evidence is currently insufficient to determine the role of this variant in disease. Therefore, it has been classified as a Variant of Uncertain Significance.